The following is an entry in ClinVar:

ClinVar aggregate classification (germline): Likely benign (0 of 4 stars; one submission).

Conditions:
ISCU-related disorder. Also called: ISCU-related condition.

Allele frequency attached by ClinVar (database versions not stated): gnomAD exomes 0.00008; ExAC 0.00009; gnomAD 0.00074; 1000 Genomes Project 30x 0.00078; 1000 Genomes Project 0.00080; TOPMed 0.00094.
gnomAD v4.1: 223 of 1,410,284 alleles (0.016%); highest among the groups gnomAD compares: African/African-American, 0.27%; 1 homozygote.

Submission:

PreventionGenetics, part of Exact Sciences
Classification: Likely benign for ISCU-related condition. Last evaluated: 2020-06-26. Review status: no assertion criteria provided. Collection method: clinical testing. Allele origin: germline.
Comment: This variant is classified as likely benign based on ACMG/AMP sequence variant interpretation guidelines (Richards et al. 2015 PMID: 25741868, with internal and published modifications).

NM_213595.4(ISCU):c.418+643C>T

Gene: ISCU (iron-sulfur cluster assembly enzyme; plus strand). Cytogenetic location: 12q23.3.
Variant type: single nucleotide variant.
Coding change: c.418+643C>T on transcript NM_213595.4 (MANE Select); 643 bases into the intron after coding-DNA position 418, C replaced by T.
Molecular consequence: intron variant. On other transcripts: 3 prime UTR variant (1).
Genome position (GRCh38, 1-based): chr12:108,567,911, C>T. VCF-style: chr12-108567911-C-T. GRCh37 (hg19) VCF-style: chr12-108961687-C-T.
Other names: c.*207C>T (NM_001320042.1); c.343+643C>T (NM_014301.4); c.*39+168C>T (NM_001301140.1); c.419-9C>T (NM_001301141.1).
Identifiers: ClinVar variation 3051426 (VCV003051426.2), dbSNP rs189063751, ClinGen allele CA6768872.